The following is an entry in ClinVar:

ClinVar aggregate classification (germline): Likely benign. Review status: criteria provided, multiple submitters, no conflicts (2 of 4 stars). 4 submissions from 4 submitters: Likely benign (3). 1 of the submissions does not count toward it. Last evaluated 2025-11-17.

Conditions:
PCDH19-related disorder. Also called: PCDH19-related condition.
Developmental and epileptic encephalopathy, 9 (DEE9). Also called: EPILEPSY, FEMALE-RESTRICTED, WITH MENTAL RETARDATION; JUBERG-HELLMAN SYNDROME; PCDH19-Related X-Linked Female-Limited Epilepsy with Mental Retardation; Early infantile epileptic encephalopathy 9. Identifiers: Orphanet 101039, Orphanet 2076, MedGen C1848137, MONDO:0010246, OMIM 300088. Disease mechanism: loss of function.

Allele frequency attached by ClinVar (database versions not stated): ExAC 0.00001; gnomAD 0.00001 and 0.00002; gnomAD exomes 0.00001; TOPMed 0.00002; 1000 Genomes Project 30x 0.00021; 1000 Genomes Project 0.00026.
gnomAD v4.1: 14 of 1,210,425 alleles (0.0012%); highest among the groups gnomAD compares: African/African-American, 0.014%; no homozygotes.

Submissions (4):

Labcorp Genetics (formerly Invitae), Labcorp
Classification: Likely benign for Developmental and epileptic encephalopathy, 9. Last evaluated: 2025-11-17. Review status: criteria provided, single submitter. Criteria: Invitae Variant Classification Sherloc (09022015). Collection method: clinical testing. Allele origin: germline.

GeneDx
Classification: Likely benign. Last evaluated: 2019-03-08. Review status: criteria provided, single submitter. Criteria: GeneDx Variant Classification Process June 2021. Collection method: clinical testing. Allele origin: germline. Affected: yes.

Breakthrough Genomics
Classification: Likely benign. Review status: criteria provided, single submitter. Criteria: ACMG Guidelines, 2015. Collection method: not provided. Allele origin: germline. Inheritance: X-linked inheritance. Affected: yes.

PreventionGenetics, part of Exact Sciences
Classification: Likely benign for PCDH19-related condition. Last evaluated: 2019-05-03. Review status: no assertion criteria provided. Collection method: clinical testing. Allele origin: germline. Not counted in ClinVar's aggregate classification.
Comment: This variant is classified as likely benign based on ACMG/AMP sequence variant interpretation guidelines (Richards et al. 2015 PMID: 25741868, with internal and published modifications).

NM_001184880.2(PCDH19):c.1485G>A (p.Ser495=)

Gene: PCDH19 (protocadherin 19; minus strand). Cytogenetic location: Xq22.1.
Variant type: single nucleotide variant.
Coding change: c.1485G>A on transcript NM_001184880.2 (MANE Select); coding-DNA position 1485, G replaced by A.
Protein change: p.Ser495=; no amino-acid change (serine 495 retained).
Molecular consequence: synonymous variant.
Genome position (GRCh38, 1-based): chrX:100,407,113, C>T on the plus strand (G>A on the coding strand, the complement: PCDH19 is on the minus strand). VCF-style: chrX-100407113-C-T. GRCh37 (hg19) VCF-style: chrX-99662111-C-T.
Other names: c.1485G>A, p.Ser495= (NM_001105243.2, NM_020766.3).
Identifiers: ClinVar variation 387538 (VCV000387538.16), dbSNP rs184770215, ClinGen allele CA10468876.
Genomic context (GRCh38, chrX:100,407,113, plus strand): 5'-GATGTCGCCTGAGTTGGGATTGATGGAGACATAGGTGAAGACAGGCATGTCCCGCACCTG[C>T]GACGGCACGATCTGGTAGGAGACACTGCCGTTGAGACCCAGGTCGGGGTCGCGAGCAGAC-3'
Protein context (NP_001171809.1, residues 485-505): NGSVSYQIVP[Ser495=]QVRDMPVFTY